The following is an entry in ClinVar:

ClinVar aggregate classification (germline): Conflicting classifications of pathogenicity. Review status: criteria provided, conflicting classifications (1 of 4 stars). 4 submissions from 4 submitters: Uncertain significance (2); Likely benign (2). Last evaluated 2026-01-20.

Conditions:
Pyruvate dehydrogenase E1-beta deficiency (PDHBD). Identifiers: Orphanet 255138, Orphanet 765, MedGen C3279841, MONDO:0013580, OMIM 614111.

Allele frequency attached by ClinVar (database versions not stated): TOPMed 0.00006.
gnomAD v4.1: 52 of 1,607,882 alleles (0.0032%); highest among the groups gnomAD compares: Middle Eastern, 0.067%; no homozygotes.

Submissions (4):

Labcorp Genetics (formerly Invitae), Labcorp
Classification: Likely benign for Pyruvate dehydrogenase E1-beta deficiency. Last evaluated: 2026-01-20. Review status: criteria provided, single submitter. Criteria: Invitae Variant Classification Sherloc (09022015). Collection method: clinical testing. Allele origin: germline.

Blueprint Genetics
Classification: Likely benign. Last evaluated: 2024-11-08. Review status: criteria provided, single submitter. Criteria: ACMG Guidelines, 2015. Collection method: clinical testing. Allele origin: germline.

3billion
Classification: Uncertain significance for Pyruvate dehydrogenase E1-beta deficiency. Last evaluated: 2023-12-07. Review status: criteria provided, single submitter. Criteria: ACMG Guidelines, 2015. Collection method: clinical testing. Allele origin: germline. Affected: yes.
Comment: The variant is observed at an extremely low frequency in the gnomAD v2.1.1 dataset (total allele frequency: 0.004%). Predicted Consequence/Location: Intron variant In silico tools predict the variant to alter splicing and produce an abnormal transcript [SpliceAI: 0.21 (>=0.2, moderate evidence for spliceogenicity)]. Therefore, this variant is classified as VUS according to the recommendation of ACMG/AMP guideline.

Illumina Laboratory Services, Illumina
Classification: Uncertain significance for Pyruvate dehydrogenase E1-beta deficiency. Last evaluated: 2018-01-13. Review status: criteria provided, single submitter. Criteria: ICSL Variant Classification Criteria 13 December 2019. Collection method: clinical testing. Allele origin: germline.

NM_000925.4(PDHB):c.96+12G>A

Genes: PDHB (pyruvate dehydrogenase E1 subunit beta; minus strand), LOC129936949 (ATAC-STARR-seq lymphoblastoid active region 20012; plus strand). Cytogenetic location: 3p14.3.
Variant type: single nucleotide variant.
Coding change: c.96+12G>A on transcript NM_000925.4 (MANE Select); 12 bases into the intron after coding-DNA position 96, G replaced by A.
Molecular consequence: intron variant.
Genome position (GRCh38, 1-based): chr3:58,433,619, C>T on the plus strand (G>A on the coding strand, the complement: PDHB is on the minus strand). VCF-style: chr3-58433619-C-T. GRCh37 (hg19) VCF-style: chr3-58419346-C-T.
Other names: c.42+149G>A (NM_001315536.2); c.96+12G>A (NM_001173468.2).
Identifiers: ClinVar variation 901693 (VCV000901693.9), dbSNP rs773433623, ClinGen allele CA2471670.